The following is an entry in ClinVar:

ClinVar aggregate classification (germline): Pathogenic (1 of 4 stars; one submission).

Conditions:
Hereditary cancer-predisposing syndrome. Also called: Neoplastic Syndromes, Hereditary; Tumor predisposition; Hereditary Cancer Syndrome; Hereditary neoplastic syndrome. Identifiers: Orphanet 140162, MedGen C0027672, MeSH D009386, MONDO:0015356.

Submission:

Ambry Genetics
Classification: Pathogenic for Hereditary cancer-predisposing syndrome. Last evaluated: 2026-03-18. Review status: criteria provided, single submitter. Criteria: Ambry Variant Classification Scheme 2023. Collection method: clinical testing. Allele origin: germline.
Comment: The c.2407_2408delAC pathogenic mutation, located in coding exon 15 of the APC gene, results from a deletion of two nucleotides at nucleotide positions 2407 to 2408, causing a translational frameshift with a predicted alternate stop codon (p.T803Qfs*4). This variant occurs at the 3' terminus of the gene, is not expected to trigger nonsense-mediated mRNA decay, and impacts the last 72% of the protein. However, premature stop codons are typically deleterious in nature, the impacted region is critical for protein function, and a significant portion of the protein is affected (Ambry internal data). This variant was reported in individual(s) with features consistent with APC-related familial adenomatous polyposis (Ambry internal data). This variant is considered to be rare based on population cohorts in the Genome Aggregation Database (gnomAD). Based on the supporting evidence, this variant is interpreted as a disease-causing mutation.

NM_000038.6(APC):c.2407_2408del (p.Thr803fs)

Gene: APC (APC regulator of Wnt signaling pathway; plus strand). Cytogenetic location: 5q22.2.
Variant type: Microsatellite.
Coding change: c.2407_2408del on transcript NM_000038.6 (MANE Select); coding-DNA positions 2407 to 2408, 2 bases deleted (AC; older notation c.2407_2408delAC).
Protein change: p.Thr803fs; shifts the reading frame from threonine 803.
Molecular consequence: frameshift variant. On other transcripts: non-coding transcript variant (2).
Genome position (GRCh38, 1-based): chr5:112,838,001-112,838,002, AC deleted; deleting any 2 consecutive bases within chr5:112,837,999-112,838,002 gives the same sequence; the c. name uses the placement nearest the transcript's 3' end. VCF-style (leftmost placement, unchanged base first): chr5-112837998-GAC-G. GRCh37 (hg19) VCF-style: chr5-112173695-GAC-G.
Other names: c.2407_2408del, p.Thr803fs (NM_001127510.3, NM_001354895.2, NM_001407450.1); c.2353_2354del, p.Thr785fs (NM_001127511.3); c.2461_2462del, p.Thr821fs (NM_001354896.2, NM_001407449.1, NM_001407447.1 and 1 more transcripts); c.2437_2438del, p.Thr813fs (NM_001354897.2); c.2332_2333del, p.Thr778fs (NM_001354898.2); c.2323_2324del, p.Thr775fs (NM_001354899.2); c.2386_2387del, p.Thr796fs (NM_001407451.1); c.2377_2378del, p.Thr793fs (NM_001407452.1); and 11 more; short protein forms T419fs, T520fs, T643fs, T674fs, T677fs, T702fs, T712fs, T720fs.
Identifiers: ClinVar variation 4860845 (VCV004860845.1).